The following is an entry in ClinVar:

NM_001006658.3(CR2):c.1391C>T (p.Pro464Leu)

Gene: CR2 (complement C3d receptor 2; plus strand). Cytogenetic location: 1q32.2.
Variant type: single nucleotide variant.
Coding change: c.1391C>T on transcript NM_001006658.3 (MANE Select); coding-DNA position 1391, C replaced by T.
Protein change: p.Pro464Leu; replaces proline 464 with leucine.
Molecular consequence: missense variant.
Genome position (GRCh38, 1-based): chr1:207,470,905, C>T. VCF-style: chr1-207470905-C-T. GRCh37 (hg19) VCF-style: chr1-207644250-C-T.
Other names: c.1391C>T, p.Pro464Leu (NM_001877.5); short protein forms P464L.
Identifiers: ClinVar variation 1975874 (VCV001975874.6), dbSNP rs756848982, ClinGen allele CA1368698.

ClinVar aggregate classification (germline): Uncertain significance. Review status: criteria provided, multiple submitters, no conflicts (2 of 4 stars). 2 submissions from 2 submitters: Uncertain significance (2). Last evaluated 2021-12-30.

Conditions:
Immunodeficiency, common variable, 7. Identifiers: Orphanet 1572, Orphanet 696894, MedGen C3542922, MONDO:0013862, OMIM 614699.

Allele frequency attached by ClinVar (database versions not stated): gnomAD exomes below 0.00001; ExAC 0.00001.
gnomAD v4.1: 6 of 1,613,708 alleles (0.00037%); highest among the groups gnomAD compares: Middle Eastern, 0.017%; no homozygotes.

Submissions (2):

Labcorp Genetics (formerly Invitae), Labcorp
Classification: Uncertain significance for Immunodeficiency, common variable, 7. Last evaluated: 2021-12-30. Review status: criteria provided, single submitter. Criteria: Invitae Variant Classification Sherloc (09022015). Collection method: clinical testing. Allele origin: germline.
Comment: In summary, the available evidence is currently insufficient to determine the role of this variant in disease. Therefore, it has been classified as a Variant of Uncertain Significance. Algorithms developed to predict the effect of missense changes on protein structure and function are either unavailable or do not agree on the potential impact of this missense change (SIFT: "Tolerated"; PolyPhen-2: "Probably Damaging"; Align-GVGD: "Class C0"). This variant has not been reported in the literature in individuals affected with CR2-related conditions. This variant is present in population databases (rs756848982, gnomAD 0.01%). This sequence change replaces proline, which is neutral and non-polar, with leucine, which is neutral and non-polar, at codon 464 of the CR2 protein (p.Pro464Leu).

Blueprint Genetics
Classification: Uncertain significance. Last evaluated: 2019-04-01. Review status: criteria provided, single submitter. Criteria: ACMG Guidelines, 2015. Collection method: clinical testing. Allele origin: germline.